The following is an entry in ClinVar:

NM_000553.6(WRN):c.3592G>C (p.Val1198Leu)

Gene: WRN (WRN RecQ like helicase; plus strand). Cytogenetic location: 8p12.
Variant type: single nucleotide variant.
Coding change: c.3592G>C on transcript NM_000553.6 (MANE Select); coding-DNA position 3592, G replaced by C.
Protein change: p.Val1198Leu; replaces valine 1198 with leucine.
Molecular consequence: missense variant.
Genome position (GRCh38, 1-based): chr8:31,150,360, G>C. VCF-style: chr8-31150360-G-C. GRCh37 (hg19) VCF-style: chr8-31007876-G-C.
Other names: short protein forms V1198L.
Identifiers: ClinVar variation 1497858 (VCV001497858.5), dbSNP rs147116477, ClinGen allele CA4705129.
Genomic context (GRCh38, chr8:31,150,360, plus strand): 5'-CTTGACCTTTTTGTTGTTGTTGTTGTTGTTGTTAAACACAGACCAACTACGGTTGAAAAC[G>C]TAAAAAGGATTGATGGTGTTTCTGAAGGCAAAGCTGCCATGTTGGCCCCTCTGTTGGAAG-3'
Protein context (NP_000544.2, residues 1188-1208): AKMRPTTVEN[Val1198Leu]KRIDGVSEGK

ClinVar aggregate classification (germline): Uncertain significance (1 of 4 stars; one submission).

Conditions:
Werner syndrome (WRN). Identifiers: Orphanet 902, MedGen C0043119, MONDO:0010196, OMIM 277700.

gnomAD v4.1: 7 of 1,614,072 alleles (0.00043%); highest among the groups gnomAD compares: Admixed American, 0.012%; no homozygotes.

Submission:

Labcorp Genetics (formerly Invitae), Labcorp
Classification: Uncertain significance for Werner syndrome. Last evaluated: 2025-07-09. Review status: criteria provided, single submitter. Criteria: Invitae Variant Classification Sherloc (09022015). Collection method: clinical testing. Allele origin: germline.
Comment: This sequence change replaces valine, which is neutral and non-polar, with leucine, which is neutral and non-polar, at codon 1198 of the WRN protein (p.Val1198Leu). This variant is present in population databases (rs147116477, gnomAD 0.02%). This variant has not been reported in the literature in individuals affected with WRN-related conditions. ClinVar contains an entry for this variant (Variation ID: 1497858). An algorithm developed to predict the effect of missense changes on protein structure and function outputs the following: PolyPhen-2: "Benign". The leucine amino acid residue is found in multiple mammalian species, which suggests that this missense change does not adversely affect protein function. In summary, the available evidence is currently insufficient to determine the role of this variant in disease. Therefore, it has been classified as a Variant of Uncertain Significance.